The following is an entry in ClinVar:

ClinVar aggregate classification (germline): Uncertain significance (1 of 4 stars; one submission).

Conditions:
Malignant hyperthermia, susceptibility to, 1 (MHS1). Also called: Anesthesia related hyperthermia; Malignant hyperpyrexia; Fulminating hyperpyrexia; Pharmacogenic myopathy; RYR1-Related Malignant Hyperthermia Susceptibility; Malignant hyperthermia suceptibility 1. Identifiers: Orphanet 423, MedGen C2930980, MONDO:0007783, OMIM 145600.

gnomAD v4.1: 1 of 1,613,900 alleles (0.000062%); highest among the groups gnomAD compares: Admixed American, 0.0017%; no homozygotes.

Submission:

All of Us Research Program, National Institutes of Health
Classification: Uncertain significance for Malignant hyperthermia, susceptibility to, 1. Last evaluated: 2023-06-26. Review status: criteria provided, single submitter. Criteria: ACMG Guidelines, 2015. Collection method: clinical testing. Allele origin: germline. Inheritance: Autosomal dominant inheritance. Observed: 1 variant allele, 1 heterozygote.
Comment: This missense variant replaces cysteine with tryptophan at codon 844 of the RYR1 protein. Computational prediction is inconclusive regarding the impact of this variant on protein structure and function (internally defined REVEL score threshold 0.5 < inconclusive < 0.7, PMID: 27666373). To our knowledge, functional studies have not been reported for this variant. This variant has not been reported in individuals affected with RYR1-related disorders in the literature. This variant has been identified in 1/251038 chromosomes in the general population by the Genome Aggregation Database (gnomAD). The available evidence is insufficient to determine the role of this variant in disease conclusively. Therefore, this variant is classified as a Variant of Uncertain Significance.

This study involves interpretation of variants in research participants for the purpose of population health screening. Participant phenotype was not available at the time of variant classification. Additional details can be found in publication PMID: 35346344, PMCID: PMC8962531

NM_000540.3(RYR1):c.2532C>G (p.Cys844Trp)

Gene: RYR1 (ryanodine receptor 1; plus strand). Cytogenetic location: 19q13.2.
Variant type: single nucleotide variant.
Coding change: c.2532C>G on transcript NM_000540.3 (MANE Select); coding-DNA position 2532, C replaced by G.
Protein change: p.Cys844Trp; replaces cysteine 844 with tryptophan.
Molecular consequence: missense variant.
Genome position (GRCh38, 1-based): chr19:38,460,546, C>G. VCF-style: chr19-38460546-C-G. GRCh37 (hg19) VCF-style: chr19-38951186-C-G.
Other names: c.2532C>G, p.Cys844Trp (NM_001042723.2); short protein forms C844W.
Identifiers: ClinVar variation 3071833 (VCV003071833.1), dbSNP rs1343449225, ClinGen allele CA405630108.
Genomic context (GRCh38, chr19:38,460,546, plus strand): 5'-CATCAAGGAGTATCGACGGGAGGGGCCCCGGGGGCCTCACCTGGTGGGCCCCAGTCGCTG[C>G]CTCTCACACACCGACTTCGTGCCCTGCCCTGTGGACACTGTCCAGGTACTGCCTGCCCTG-3'
Protein context (NP_000531.2, residues 834-854): RGPHLVGPSR[Cys844Trp]LSHTDFVPCP